The following is an entry in ClinVar:

ClinVar aggregate classification (germline): Uncertain significance. Review status: criteria provided, multiple submitters, no conflicts (2 of 4 stars). 2 submissions from 2 submitters: Uncertain significance (2). Last evaluated 2025-03-08.

Conditions:
Dilated cardiomyopathy 1AA (CMD1AA). Also called: CARDIOMYOPATHY, DILATED, 1AA, WITH OR WITHOUT LEFT VENTRICULAR NONCOMPACTION; CARDIOMYOPATHY, FAMILIAL HYPERTROPHIC, 23, WITH OR WITHOUT LEFT VENTRICULAR NONCOMPACTION; Cardiomyopathy, dilated, 1AA, with or without LVNC. Identifiers: Orphanet 154, MedGen C2677338, MONDO:0012808, OMIM 612158.
Primary familial hypertrophic cardiomyopathy (HCM). Identifiers: Orphanet 99739, MedGen C0949658, MeSH D024741, MONDO:0024573. Inheritance: Various modes of inheritance.

gnomAD v4.1: 2 of 1,614,104 alleles (0.00012%); highest among the groups gnomAD compares: Non-Finnish European, 0.00017%; no homozygotes.

Submissions (2):

Women's Health and Genetics/Laboratory Corporation of America, LabCorp
Classification: Uncertain significance. Last evaluated: 2025-03-08. Review status: criteria provided, single submitter. Criteria: LabCorp Variant Classification Summary - May 2015. Collection method: clinical testing. Allele origin: germline.

Labcorp Genetics (formerly Invitae), Labcorp
Classification: Uncertain significance for Primary familial hypertrophic cardiomyopathy; Dilated cardiomyopathy 1AA. Last evaluated: 2021-10-03. Review status: criteria provided, single submitter. Criteria: Invitae Variant Classification Sherloc (09022015). Collection method: clinical testing. Allele origin: germline.
Comment: This variant has not been reported in the literature in individuals affected with ACTN2-related conditions. This variant is not present in population databases (ExAC no frequency). This sequence change replaces methionine with valine at codon 313 of the ACTN2 protein (p.Met313Val). The methionine residue is highly conserved and there is a small physicochemical difference between methionine and valine. Advanced modeling of protein sequence and biophysical properties (such as structural, functional, and spatial information, amino acid conservation, physicochemical variation, residue mobility, and thermodynamic stability) performed at Invitae indicates that this missense variant is not expected to disrupt ACTN2 protein function. In summary, the available evidence is currently insufficient to determine the role of this variant in disease. Therefore, it has been classified as a Variant of Uncertain Significance.

NM_001103.4(ACTN2):c.937A>G (p.Met313Val)

Gene: ACTN2 (actinin alpha 2; plus strand). Cytogenetic location: 1q43.
Variant type: single nucleotide variant.
Coding change: c.937A>G on transcript NM_001103.4 (MANE Select); coding-DNA position 937, A replaced by G.
Protein change: p.Met313Val; replaces methionine 313 with valine.
Molecular consequence: missense variant.
Genome position (GRCh38, 1-based): chr1:236,739,362, A>G. VCF-style: chr1-236739362-A-G. GRCh37 (hg19) VCF-style: chr1-236902662-A-G.
Other names: c.937A>G, p.Met313Val (NM_001278343.2); c.313A>G, p.Met105Val (NM_001278344.2); short protein forms M313V, M105V.
Identifiers: ClinVar variation 1384321 (VCV001384321.7), dbSNP rs754373136, ClinGen allele CA39725680.